The following is an entry in ClinVar:

NM_031220.4(PITPNM3):c.1098C>A (p.Ser366Arg)

Gene: PITPNM3 (PITPNM family member 3; minus strand). Cytogenetic location: 17p13.2.
Variant type: single nucleotide variant.
Coding change: c.1098C>A on transcript NM_031220.4 (MANE Select); coding-DNA position 1098, C replaced by A.
Protein change: p.Ser366Arg; replaces serine 366 with arginine.
Molecular consequence: missense variant.
Genome position (GRCh38, 1-based): chr17:6,474,592, G>T on the plus strand (C>A on the coding strand, the complement: PITPNM3 is on the minus strand). VCF-style: chr17-6474592-G-T. GRCh37 (hg19) VCF-style: chr17-6377912-G-T.
Other names: c.990C>A, p.Ser330Arg (NM_001165966.2); short protein forms S330R, S366R.
Identifiers: ClinVar variation 1469115 (VCV001469115.6), dbSNP rs111401109, ClinGen allele CA287318198.

ClinVar aggregate classification (germline): Uncertain significance (1 of 4 stars; one submission).

gnomAD v4.1: 1 of 1,570,110 alleles (0.000064%); highest among the groups gnomAD compares: Admixed American, 0.0019%; no homozygotes.

Submission:

Labcorp Genetics (formerly Invitae), Labcorp
Classification: Uncertain significance. Last evaluated: 2021-09-10. Review status: criteria provided, single submitter. Criteria: Invitae Variant Classification Sherloc (09022015). Collection method: clinical testing. Allele origin: germline.
Comment: This sequence change replaces serine with arginine at codon 366 of the PITPNM3 protein (p.Ser366Arg). The serine residue is moderately conserved and there is a moderate physicochemical difference between serine and arginine. This variant is not present in population databases (ExAC no frequency). This missense change has been observed in individual(s) with retinitis pigmentosa (Invitae). Algorithms developed to predict the effect of missense changes on protein structure and function are either unavailable or do not agree on the potential impact of this missense change (SIFT: "Deleterious"; PolyPhen-2: "Benign"; Align-GVGD: "Class C0"). In summary, the available evidence is currently insufficient to determine the role of this variant in disease. Therefore, it has been classified as a Variant of Uncertain Significance.